The following is an entry in ClinVar:

NM_015001.3(SPEN):c.8732del (p.Lys2911fs)

Gene: SPEN (spen family transcriptional repressor; plus strand). Cytogenetic location: 1p36.13.
Variant type: Deletion.
Coding change: c.8732del on transcript NM_015001.3 (MANE Select); coding-DNA position 8732, one base deleted (A; older notation c.8732delA).
Protein change: p.Lys2911fs; shifts the reading frame from lysine 2911.
Molecular consequence: frameshift variant.
Genome position (GRCh38, 1-based): chr1:15,934,972, A deleted; the last of 2 consecutive A bases (chr1:15,934,971-15,934,972); deleting either gives the same sequence. VCF-style (leftmost placement, unchanged base first): chr1-15934970-GA-G. GRCh37 (hg19) VCF-style: chr1-16261465-GA-G.
Other names: short protein forms K2911fs.
Identifiers: ClinVar variation 2223587 (VCV002223587.2), dbSNP rs2523093503, ClinGen allele CA2580060587.

ClinVar aggregate classification (germline): Pathogenic (1 of 4 stars; one submission).

Conditions:
Inborn genetic diseases. Identifiers: MedGen C0950123, MeSH D030342.

Submission:

Ambry Genetics
Classification: Pathogenic for Inborn genetic diseases. Last evaluated: 2021-11-17. Review status: criteria provided, single submitter. Criteria: Ambry Variant Classification Scheme 2023. Collection method: clinical testing. Allele origin: germline.
Comment: The c.8732delA (p.K2911Sfs*19) alteration, located in exon 11 (coding exon 11) of the SPEN gene, consists of a deletion of one nucleotide at position 8732, causing a translational frameshift with a predicted alternate stop codon after 19 amino acids. This alteration is expected to result in loss of function by premature protein truncation or nonsense-mediated mRNA decay. This variant was not reported in population-based cohorts in the Genome Aggregation Database (gnomAD). Based on the available evidence, this alteration is classified as pathogenic.